The following is an entry in ClinVar:

ClinVar aggregate classification (germline): Likely pathogenic (1 of 4 stars; one submission).

Submission:

CeGaT Center for Human Genetics Tuebingen
Classification: Likely pathogenic. Last evaluated: 2026-04-01. Review status: criteria provided, single submitter. Criteria: CeGaT Center For Human Genetics Tuebingen Variant Classification Criteria Version 2. Collection method: clinical testing. Allele origin: germline. Affected: yes. Observed: 2 variant alleles.
Comment: USH2A: PM2, PM3, PM5:Supporting, PP4

NM_206933.4(USH2A):c.5447T>A (p.Val1816Glu)

Genes: USH2A (usherin; minus strand), USH2A-AS2 (USH2A antisense RNA 2; plus strand). Cytogenetic location: 1q41.
Variant type: single nucleotide variant.
Coding change: c.5447T>A on transcript NM_206933.4 (MANE Select); coding-DNA position 5447, T replaced by A.
Protein change: p.Val1816Glu; replaces valine 1816 with glutamic acid.
Molecular consequence: missense variant.
Genome position (GRCh38, 1-based): chr1:216,078,214, A>T on the plus strand (T>A on the coding strand, the complement: USH2A is on the minus strand). VCF-style: chr1-216078214-A-T. GRCh37 (hg19) VCF-style: chr1-216251556-A-T.
Other names: short protein forms V1816E.
Identifiers: ClinVar variation 1176219 (VCV001176219.35), dbSNP rs777011507, ClinGen allele CA344856139.